The following is an entry in ClinVar:

NM_014855.3(AP5Z1):c.1407G>A (p.Ala469=)

Gene: AP5Z1 (adaptor related protein complex 5 subunit zeta 1; plus strand). Cytogenetic location: 7p22.1.
Variant type: single nucleotide variant.
Coding change: c.1407G>A on transcript NM_014855.3 (MANE Select); coding-DNA position 1407, G replaced by A.
Protein change: p.Ala469=; no amino-acid change (alanine 469 retained).
Molecular consequence: synonymous variant. On other transcripts: non-coding transcript variant (1).
Genome position (GRCh38, 1-based): chr7:4,787,729, G>A. VCF-style: chr7-4787729-G-A. GRCh37 (hg19) VCF-style: chr7-4827360-G-A.
Other names: c.939G>A, p.Ala313= (NM_001364858.1).
Identifiers: ClinVar variation 1116095 (VCV001116095.10), dbSNP rs757042274, ClinGen allele CA4137793.

ClinVar aggregate classification (germline): Likely benign. Review status: criteria provided, multiple submitters, no conflicts (2 of 4 stars). 2 submissions from 2 submitters: Likely benign (2). Last evaluated 2026-10-01.

Conditions:
Hereditary spastic paraplegia 48. Also called: Spastic paraplegia 48; SPASTIC PARAPLEGIA 48, AUTOSOMAL RECESSIVE. Identifiers: Orphanet 306511, MedGen C3150901, MONDO:0013342, OMIM 613647.

Allele frequency attached by ClinVar (database versions not stated): gnomAD 0.00003; TOPMed 0.00003.

Submissions (2):

CeGaT Center for Human Genetics Tuebingen
Classification: Likely benign. Last evaluated: 2026-10-01. Review status: criteria provided, single submitter. Criteria: CeGaT Center For Human Genetics Tuebingen Variant Classification Criteria Version 2. Collection method: clinical testing. Allele origin: germline. Affected: yes. Observed: 1 variant allele.
Comment: AP5Z1: BP4, BP7

Labcorp Genetics (formerly Invitae), Labcorp
Classification: Likely benign for Hereditary spastic paraplegia 48. Last evaluated: 2025-11-03. Review status: criteria provided, single submitter. Criteria: Invitae Variant Classification Sherloc (09022015). Collection method: clinical testing. Allele origin: germline.